The following is an entry in ClinVar:

ClinVar aggregate classification (germline): Uncertain significance. Review status: criteria provided, multiple submitters, no conflicts (2 of 4 stars). 3 submissions from 3 submitters: Uncertain significance (3). Last evaluated 2025-07-04.

Conditions:
Intellectual developmental disorder, X-linked 108. Also called: MENTAL RETARDATION, X-LINKED 108. Identifiers: MedGen C5193009, MONDO:0026723, OMIM 301024.

Allele frequency attached by ClinVar (database versions not stated): ExAC 0.00003; ESP Exome Variant Server 0.00009.
gnomAD v4.1: 12 of 1,208,198 alleles (0.00099%); highest among the groups gnomAD compares: Non-Finnish European, 0.0013%; no homozygotes.

Submissions (3):

Ambry Genetics
Classification: Uncertain significance. Last evaluated: 2025-07-04. Review status: criteria provided, single submitter. Criteria: Ambry Variant Classification Scheme 2023. Collection method: clinical testing. Allele origin: germline.

CeGaT Center for Human Genetics Tuebingen
Classification: Uncertain significance. Last evaluated: 2025-05-01. Review status: criteria provided, single submitter. Criteria: CeGaT Center For Human Genetics Tuebingen Variant Classification Criteria Version 2. Collection method: clinical testing. Allele origin: germline. Affected: yes. Observed: 1 variant allele.
Comment: SLC9A7: PM2

Revvity Omics, Revvity
Classification: Uncertain significance for Intellectual developmental disorder, X-linked 108. Last evaluated: 2021-12-21. Review status: criteria provided, single submitter. Criteria: ACMG Guidelines, 2015. Collection method: clinical testing. Allele origin: germline.

NM_001257291.2(SLC9A7):c.1693G>A (p.Asp565Asn)

Gene: SLC9A7 (solute carrier family 9 member A7; minus strand). Cytogenetic location: Xp11.3.
Variant type: single nucleotide variant.
Coding change: c.1693G>A on transcript NM_001257291.2 (MANE Select); coding-DNA position 1693, G replaced by A.
Protein change: p.Asp565Asn; replaces aspartic acid 565 with asparagine.
Molecular consequence: missense variant.
Genome position (GRCh38, 1-based): chrX:46,631,633, C>T on the plus strand (G>A on the coding strand, the complement: SLC9A7 is on the minus strand). VCF-style: chrX-46631633-C-T. GRCh37 (hg19) VCF-style: chrX-46491068-C-T.
Other names: c.1690G>A, p.Asp564Asn (NM_032591.3); c.1690G>A (NM_032591.1); short protein forms D564N, D565N.
Identifiers: ClinVar variation 2436080 (VCV002436080.14), dbSNP rs373308682, ClinGen allele CA10393793.